The following is an entry in ClinVar:

NM_198578.4(LRRK2):c.7336C>A (p.Arg2446Ser)

Gene: LRRK2 (leucine rich repeat kinase 2; plus strand). Cytogenetic location: 12q12.
Variant type: single nucleotide variant.
Coding change: c.7336C>A on transcript NM_198578.4 (MANE Select); coding-DNA position 7336, C replaced by A.
Protein change: p.Arg2446Ser; replaces arginine 2446 with serine.
Molecular consequence: missense variant.
Genome position (GRCh38, 1-based): chr12:40,364,996, C>A. VCF-style: chr12-40364996-C-A. GRCh37 (hg19) VCF-style: chr12-40758798-C-A.
Other names: short protein forms R2446S.
Identifiers: ClinVar variation 3540590 (VCV003540590.3).

ClinVar aggregate classification (germline): Uncertain significance. Review status: criteria provided, multiple submitters, no conflicts (2 of 4 stars). 2 submissions from 2 submitters: Uncertain significance (2). Last evaluated 2024-07-26.

Conditions:
Autosomal dominant Parkinson disease 8. Also called: LRRK2-Related Parkinson Disease; Parkinson disease 8; Parkinson disease 8, susceptibility to. Identifiers: Orphanet 411602, MedGen C1846862, MONDO:0011764, OMIM 607060.
Inborn genetic diseases. Identifiers: MedGen C0950123, MeSH D030342.

gnomAD v4.1: 1 of 1,612,534 alleles (0.000062%); highest among the groups gnomAD compares: Non-Finnish European, 0.000085%; no homozygotes.

Submissions (2):

Ambry Genetics
Classification: Uncertain significance for Inborn genetic diseases. Last evaluated: 2024-07-26. Review status: criteria provided, single submitter. Criteria: Ambry Variant Classification Scheme 2023. Collection method: clinical testing. Allele origin: germline.
Comment: The p.R2446S variant (also known as c.7336C>A), located in coding exon 49 of the LRRK2 gene, results from a C to A substitution at nucleotide position 7336. The arginine at codon 2446 is replaced by serine, an amino acid with dissimilar properties. This amino acid position is conserved. In addition, this alteration is predicted to be tolerated by in silico analysis. Based on the available evidence, the clinical significance of this variant remains unclear.

Labcorp Genetics (formerly Invitae), Labcorp
Classification: Uncertain significance for Autosomal dominant Parkinson disease 8. Last evaluated: 2024-01-27. Review status: criteria provided, single submitter. Criteria: Invitae Variant Classification Sherloc (09022015). Collection method: clinical testing. Allele origin: germline.
Comment: This sequence change replaces arginine, which is basic and polar, with serine, which is neutral and polar, at codon 2446 of the LRRK2 protein (p.Arg2446Ser). This variant is not present in population databases (gnomAD no frequency). This variant has not been reported in the literature in individuals affected with LRRK2-related conditions. Advanced modeling of protein sequence and biophysical properties (such as structural, functional, and spatial information, amino acid conservation, physicochemical variation, residue mobility, and thermodynamic stability) has been performed at Invitae for this missense variant, however the output from this modeling did not meet the statistical confidence thresholds required to predict the impact of this variant on LRRK2 protein function. In summary, the available evidence is currently insufficient to determine the role of this variant in disease. Therefore, it has been classified as a Variant of Uncertain Significance.